The following is an entry in ClinVar:

NM_003823.4(TNFRSF6B):c.57_68dup (p.Pro23_Val24insAlaLeuLeuPro)

Genes: RTEL1-TNFRSF6B (RTEL1-TNFRSF6B readthrough (NMD candidate); plus strand), TNFRSF6B (TNF receptor superfamily member 6b; plus strand). Cytogenetic location: 20q13.33.
Variant type: Duplication.
Coding change: c.57_68dup on transcript NM_003823.4 (MANE Select); coding-DNA positions 57 to 68, 12 bases duplicated (TGCCCTGCTGCC).
Protein change: p.Pro23_Val24insAlaLeuLeuPro.
Molecular consequence: inframe insertion. On other transcripts: non-coding transcript variant (1).
Genome position (GRCh38, 1-based): chr20:63,696,824-63,696,835, TGCCCTGCTGCC duplicated; duplicating any 12 consecutive bases within chr20:63,696,818-63,696,835 gives the same sequence; the c. name uses the placement nearest the transcript's 3' end. VCF-style (leftmost placement, unchanged base first): chr20-63696817-C-CGCTGCCTGCCCT. GRCh37 (hg19) VCF-style: chr20-62328170-C-CGCTGCCTGCCCT.
Identifiers: ClinVar variation 4698595 (VCV004698595.1).

ClinVar aggregate classification (germline): Uncertain significance (1 of 4 stars; one submission).

Submission:

Labcorp Genetics (formerly Invitae), Labcorp
Classification: Uncertain significance. Last evaluated: 2025-04-01. Review status: criteria provided, single submitter. Criteria: Invitae Variant Classification Sherloc (09022015). Collection method: clinical testing. Allele origin: germline.
Comment: This variant, c.57_68dup, results in the insertion of 4 amino acid(s) of the TNFRSF6B protein (p.Ala20_Pro23dup), but otherwise preserves the integrity of the reading frame. This variant is present in population databases (no rsID available, gnomAD 0.001%). This variant has not been reported in the literature in individuals affected with TNFRSF6B-related conditions. In summary, the available evidence is currently insufficient to determine the role of this variant in disease. Therefore, it has been classified as a Variant of Uncertain Significance.